The following is an entry in ClinVar:

ClinVar aggregate classification (germline): Uncertain significance. Review status: criteria provided, multiple submitters, no conflicts (2 of 4 stars). 4 submissions from 4 submitters: Uncertain significance (4). Last evaluated 2024-10-12.

Conditions:
BLOOD GROUP, WALDNER (WD). Also called: WALDNER BLOOD GROUP ANTIGEN. Identifiers: MedGen C1862191, OMIM 112010.
BLOOD GROUP--FROESE (FR). Also called: FROESE BLOOD GROUP ANTIGEN. Identifiers: MedGen C1832168, OMIM 601551.
BLOOD GROUP--WRIGHT ANTIGEN (WR). Identifiers: MedGen C1862190, OMIM 112050.
BLOOD GROUP--SWANN SYSTEM (SW). Also called: SWANN BLOOD GROUP. Identifiers: MedGen C1832169, OMIM 601550.
Hereditary spherocytosis type 4. Also called: SLC4A1-Related Spherocytosis. Identifiers: Orphanet 822, MedGen C2675212, MONDO:0012981, OMIM 612653.
BLOOD GROUP--DIEGO SYSTEM (DI). Identifiers: MedGen C1292286, OMIM 110500.
Southeast Asian ovalocytosis. Also called: HE, STOMATOCYTIC; Elliptocytosis 4; Stomatocytic elliptocytosis, hereditary; Ovalocytosis, Malaysian-Melanesian-Filipino type. Identifiers: Orphanet 98868, MedGen C1862322, MONDO:0008165, OMIM 166900.
Cryohydrocytosis. Also called: STOMATOCYTOSIS, COLD-SENSITIVE; CRYOHYDROCYTOSIS DUE TO BAND 3 HEMEL; CRYOHYDROCYTOSIS DUE TO BAND 3 HURSTPIERPOINT; CRYOHYDROCYTOSIS DUE TO BAND 3 BLACKBURN; Hereditary cryohydrocytosis with normal stomatin. Identifiers: Orphanet 398088, MedGen C1861453, MONDO:0008494, OMIM 185020.
Autosomal dominant distal renal tubular acidosis (DRTA1). Also called: RTA, CLASSIC TYPE; RTA, DISTAL TYPE, AUTOSOMAL DOMINANT; RTA, GRADIENT TYPE; Renal Tubular Acidosis, Type I; RENAL TUBULAR ACIDOSIS, DISTAL, 1. Identifiers: Orphanet 93608, MedGen CN280572, MONDO:0008368, OMIM 179800.
Renal tubular acidosis, distal, 4, with hemolytic anemia. Also called: Renal Tubular Acidosis, Distal, with Hemolytic Anemia. Identifiers: Orphanet 93610, MedGen C5436235, MONDO:0012700, OMIM 611590.
Malaria, susceptibility to. Identifiers: Orphanet 673, MedGen C1970028, MONDO:0021024, OMIM 611162.
Inborn genetic diseases. Identifiers: MedGen C0950123, MeSH D030342.

Allele frequency attached by ClinVar (database versions not stated): gnomAD 0.00002; gnomAD exomes 0.00001; TOPMed 0.00002; ExAC 0.00002; ESP Exome Variant Server 0.00008.
gnomAD v4.1: 56 of 1,612,732 alleles (0.0035%); highest among the groups gnomAD compares: Non-Finnish European, 0.0044%; no homozygotes.

Submissions (4):

Ambry Genetics
Classification: Uncertain significance for Inborn genetic diseases. Last evaluated: 2024-10-12. Review status: criteria provided, single submitter. Criteria: Ambry Variant Classification Scheme 2023. Collection method: clinical testing. Allele origin: germline.

Fulgent Genetics
Classification: Uncertain significance for BLOOD GROUP--DIEGO SYSTEM; BLOOD GROUP, WALDNER; BLOOD GROUP--WRIGHT ANTIGEN; Southeast Asian ovalocytosis; Autosomal dominant distal renal tubular acidosis; Cryohydrocytosis; BLOOD GROUP--SWANN SYSTEM; BLOOD GROUP--FROESE; Malaria, susceptibility to; Renal tubular acidosis, distal, 4, with hemolytic anemia; Hereditary spherocytosis type 4. Last evaluated: 2024-06-17. Review status: criteria provided, single submitter. Criteria: ACMG Guidelines, 2015. Collection method: clinical testing. Allele origin: germline.

3billion
Classification: Uncertain significance for Renal tubular acidosis, distal, 4, with hemolytic anemia. Last evaluated: 2022-01-03. Review status: criteria provided, single submitter. Criteria: ACMG Guidelines, 2015. Collection method: clinical testing. Allele origin: germline. Affected: yes. Observed: 1 heterozygote.
Comment: It is observed at an extremely low frequency in the gnomAD v2.1.1 dataset (total allele frequency: 0.000012, PM2_M). A missense variant is a common mechanism associated with Distal renal tubular acidosis 4 with hemolytic anemia (PP2_P). In silico tool predictions suggest no damaging effect of the variant on gene or gene product (REVEL:0.327, 3CNET:0.139, BP4_P). Therefore, this variant is classified as uncertain significance according to the recommendation of ACMG/AMP guideline.

Revvity Omics, Revvity
Classification: Uncertain significance. Last evaluated: 2021-09-03. Review status: criteria provided, single submitter. Criteria: ACMG Guidelines, 2015. Collection method: clinical testing. Allele origin: germline.

NM_000342.4(SLC4A1):c.2002G>A (p.Ala668Thr)

Gene: SLC4A1 (solute carrier family 4 member 1 (Diego blood group); minus strand). Cytogenetic location: 17q21.31.
Variant type: single nucleotide variant.
Coding change: c.2002G>A on transcript NM_000342.4 (MANE Select); coding-DNA position 2002, G replaced by A.
Protein change: p.Ala668Thr; replaces alanine 668 with threonine.
Molecular consequence: missense variant.
Genome position (GRCh38, 1-based): chr17:44,254,551, C>T on the plus strand (G>A on the coding strand, the complement: SLC4A1 is on the minus strand). VCF-style: chr17-44254551-C-T. GRCh37 (hg19) VCF-style: chr17-42331919-C-T.
Other names: short protein forms A668T.
Identifiers: ClinVar variation 1333541 (VCV001333541.6), dbSNP rs368353943, ClinGen allele CA8600148.